The following is an entry in ClinVar:

ClinVar aggregate classification (germline): Uncertain significance (1 of 4 stars; one submission).

Conditions:
Ataxia-telangiectasia syndrome (AT). Also called: Cerebello-oculocutaneous telangiectasia; Immunodeficiency with ataxia telangiectasia; Ataxia telangiectasia (A-T); LOUIS-BAR SYNDROME; Ataxia-telangiectasia, complementation group D; AT, COMPLEMENTATION GROUP C. Identifiers: Orphanet 100, MedGen C0004135, MONDO:0008840, OMIM 208900.

Submission:

Labcorp Genetics (formerly Invitae), Labcorp
Classification: Uncertain significance for Ataxia-telangiectasia syndrome. Last evaluated: 2024-05-26. Review status: criteria provided, single submitter. Criteria: Invitae Variant Classification Sherloc (09022015). Collection method: clinical testing. Allele origin: germline.
Comment: This sequence change replaces valine, which is neutral and non-polar, with phenylalanine, which is neutral and non-polar, at codon 1569 of the ATM protein (p.Val1569Phe). This variant is not present in population databases (gnomAD no frequency). This variant has not been reported in the literature in individuals affected with ATM-related conditions. ClinVar contains an entry for this variant (Variation ID: 2014828). An algorithm developed to predict the effect of missense changes on protein structure and function (PolyPhen-2) suggests that this variant is likely to be tolerated. In summary, the available evidence is currently insufficient to determine the role of this variant in disease. Therefore, it has been classified as a Variant of Uncertain Significance.

NM_000051.4(ATM):c.4705G>T (p.Val1569Phe)

Gene: ATM (ATM serine/threonine kinase; plus strand). Cytogenetic location: 11q22.3.
Variant type: single nucleotide variant.
Coding change: c.4705G>T on transcript NM_000051.4 (MANE Select); coding-DNA position 4705, G replaced by T.
Protein change: p.Val1569Phe; replaces valine 1569 with phenylalanine.
Molecular consequence: missense variant.
Genome position (GRCh38, 1-based): chr11:108,293,406, G>T. VCF-style: chr11-108293406-G-T. GRCh37 (hg19) VCF-style: chr11-108164133-G-T.
Other names: c.4705G>T, p.Val1569Phe (NM_001351834.2); short protein forms V1569F.
Identifiers: ClinVar variation 2014828 (VCV002014828.4), dbSNP rs2135812385, ClinGen allele CA382534878.